The following is an entry in ClinVar:

ClinVar aggregate classification (germline): Conflicting classifications of pathogenicity. Review status: criteria provided, conflicting classifications (1 of 4 stars). 2 submissions from 2 submitters: Uncertain significance (1); Likely benign (1). Last evaluated 2026-01-07.

Conditions:
Hereditary cancer-predisposing syndrome. Also called: Hereditary neoplastic syndrome; Neoplastic Syndromes, Hereditary; Tumor predisposition; Hereditary Cancer Syndrome. Identifiers: Orphanet 140162, MedGen C0027672, MeSH D009386, MONDO:0015356.

Allele frequency attached by ClinVar (database versions not stated): gnomAD exomes below 0.00001 and 0.00001.
gnomAD v4.1: 3 of 1,585,472 alleles (0.00019%); highest among the groups gnomAD compares: Admixed American, 0.005%; no homozygotes.

Submissions (2):

Labcorp Genetics (formerly Invitae), Labcorp
Classification: Likely benign. Last evaluated: 2026-01-07. Review status: criteria provided, single submitter. Criteria: Invitae Variant Classification Sherloc (09022015). Collection method: clinical testing. Allele origin: germline.

Ambry Genetics
Classification: Uncertain significance for Hereditary cancer-predisposing syndrome. Last evaluated: 2025-01-15. Review status: criteria provided, single submitter. Criteria: Ambry Variant Classification Scheme 2023. Collection method: clinical testing. Allele origin: germline.
Comment: The c.3303-3C>T intronic variant results from a C to T substitution 3 nucleotides upstream from coding exon 24 in the MSH3 gene. This nucleotide position is well conserved in available vertebrate species. In silico splice site analysis predicts that this alteration will not have any significant effect on splicing. Based on the available evidence, the clinical significance of this variant remains unclear.

NM_002439.5(MSH3):c.3303-3C>T

Gene: MSH3 (mutS homolog 3; plus strand). Cytogenetic location: 5q14.1.
Variant type: single nucleotide variant.
Coding change: c.3303-3C>T on transcript NM_002439.5 (MANE Select); 3 bases into the intron before coding-DNA position 3303, C replaced by T.
Molecular consequence: intron variant.
Genome position (GRCh38, 1-based): chr5:80,875,748, C>T. VCF-style: chr5-80875748-C-T. GRCh37 (hg19) VCF-style: chr5-80171567-C-T.
Identifiers: ClinVar variation 949538 (VCV000949538.11), dbSNP rs1267112374, ClinGen allele CA560701945.